The following is an entry in ClinVar:

NM_001987.5(ETV6):c.349C>T (p.Leu117Phe)

Gene: ETV6 (ETS variant transcription factor 6; plus strand). Cytogenetic location: 12p13.2.
Variant type: single nucleotide variant.
Coding change: c.349C>T on transcript NM_001987.5 (MANE Select); coding-DNA position 349, C replaced by T.
Protein change: p.Leu117Phe; replaces leucine 117 with phenylalanine.
Molecular consequence: missense variant.
Genome position (GRCh38, 1-based): chr12:11,853,447, C>T. VCF-style: chr12-11853447-C-T. GRCh37 (hg19) VCF-style: chr12-12006381-C-T.
Other names: short protein forms L117F.
Identifiers: ClinVar variation 1307513 (VCV001307513.10), dbSNP rs765265003, ClinGen allele CA6454224.

ClinVar aggregate classification (germline): Uncertain significance. Review status: criteria provided, multiple submitters, no conflicts (2 of 4 stars). 4 submissions from 4 submitters: Uncertain significance (4). Last evaluated 2025-11-17.

Conditions:
Inborn genetic diseases. Identifiers: MedGen C0950123, MeSH D030342.

Allele frequency attached by ClinVar (database versions not stated): ExAC 0.00001; gnomAD 0.00001; gnomAD exomes 0.00002 and 0.00011; TOPMed 0.00004.
gnomAD v4.1: 151 of 1,614,096 alleles (0.0094%); highest among the groups gnomAD compares: Non-Finnish European, 0.013%; no homozygotes.

Submissions (4):

Labcorp Genetics (formerly Invitae), Labcorp
Classification: Uncertain significance. Last evaluated: 2025-11-17. Review status: criteria provided, single submitter. Criteria: Invitae Variant Classification Sherloc (09022015). Collection method: clinical testing. Allele origin: germline.
Comment: This sequence change replaces leucine, which is neutral and non-polar, with phenylalanine, which is neutral and non-polar, at codon 117 of the ETV6 protein (p.Leu117Phe). This variant is present in population databases (rs765265003, gnomAD 0.004%). This missense change has been observed in individual(s) with acute myeloid leukemia (PMID: 32098966). ClinVar contains an entry for this variant (Variation ID: 1307513). Invitae Evidence Modeling of protein sequence and biophysical properties (such as structural, functional, and spatial information, amino acid conservation, physicochemical variation, residue mobility, and thermodynamic stability) indicates that this missense variant is not expected to disrupt ETV6 protein function with a negative predictive value of 80%. In summary, the available evidence is currently insufficient to determine the role of this variant in disease. Therefore, it has been classified as a Variant of Uncertain Significance.

Ambry Genetics
Classification: Uncertain significance for Inborn genetic diseases. Last evaluated: 2024-10-17. Review status: criteria provided, single submitter. Criteria: Ambry Variant Classification Scheme 2023. Collection method: clinical testing. Allele origin: germline.
Comment: The p.L117F variant (also known as c.349C>T), located in coding exon 4 of the ETV6 gene, results from a C to T substitution at nucleotide position 349. The leucine at codon 117 is replaced by phenylalanine, an amino acid with highly similar properties. This variant was reported in an individual with features consistent with ETV6-related disease (Rio-Machin A et al. Nat Commun, 2020 Feb;11:1044). This amino acid position is highly conserved in available vertebrate species. In addition, the in silico prediction for this alteration is inconclusive. Based on the available evidence, the clinical significance of this variant remains unclear.

GeneDx
Classification: Uncertain significance. Last evaluated: 2023-07-27. Review status: criteria provided, single submitter. Criteria: GeneDx Variant Classification Process June 2021. Collection method: clinical testing. Allele origin: germline. Affected: yes.
Comment: Not observed at significant frequency in large population cohorts (gnomAD); In silico analysis supports that this missense variant has a deleterious effect on protein structure/function; Identified in an individual with a personal and family history of acute myeloid leukemia (Rio-Machin et al., 2020); This variant is associated with the following publications: (PMID: 28555414, 28637624, 32098966)

Genetic Services Laboratory, University of Chicago
Classification: Uncertain significance. Last evaluated: 2020-02-17. Review status: criteria provided, single submitter. Criteria: ACMG Guidelines, 2015. Collection method: clinical testing. Allele origin: germline. Affected: no.
Comment: DNA sequence analysis of the ETV6 gene demonstrated a sequence change, c.349C>T, in exon 4 that results in an amino acid change, p.Leu117Phe. This sequence change does not appear to have been previously described in patients with ETV6-related disorders and has been described in the gnomAD database in four individuals (dbSNP rs765265003). The p.Leu117Phe change affects a highly conserved amino acid residue located in a domain of the ETV6 protein that is known to be functional. In-silico pathogenicity prediction tools (SIFT, PolyPhen2, Align GVGD, REVEL) provide contradictory results for the p.Leu117Phe substitution. Due to these contrasting evidences and the lack of functional studies, the clinical significance of the p.Leu117Phe change remains unknown at this time.

Literature cited by the submitters: PubMed 32098966 (cited by Labcorp Genetics (formerly Invitae), Labcorp and Ambry Genetics).